The following is an entry in ClinVar:

NM_005157.6(ABL1):c.3127A>C (p.Ile1043Leu)

Gene: ABL1 (ABL proto-oncogene 1, non-receptor tyrosine kinase; plus strand). Cytogenetic location: 9q34.12.
Variant type: single nucleotide variant.
Coding change: c.3127A>C on transcript NM_005157.6 (MANE Select); coding-DNA position 3127, A replaced by C.
Protein change: p.Ile1043Leu; replaces isoleucine 1043 with leucine.
Molecular consequence: missense variant.
Genome position (GRCh38, 1-based): chr9:130,885,417, A>C. VCF-style: chr9-130885417-A-C. GRCh37 (hg19) VCF-style: chr9-133760804-A-C.
Other names: c.3184A>C, p.Ile1062Leu (NM_007313.3); short protein forms I1043L, I1062L.
Identifiers: ClinVar variation 4800145 (VCV004800145.1).

ClinVar aggregate classification (germline): Uncertain significance (1 of 4 stars; one submission).

gnomAD v4.1: 2 of 1,613,566 alleles (0.00012%); highest among the groups gnomAD compares: Non-Finnish European, 0.00017%; no homozygotes.

Submission:

Labcorp Genetics (formerly Invitae), Labcorp
Classification: Uncertain significance. Last evaluated: 2025-09-22. Review status: criteria provided, single submitter. Criteria: Invitae Variant Classification Sherloc (09022015). Collection method: clinical testing. Allele origin: germline.
Comment: This sequence change replaces isoleucine, which is neutral and non-polar, with leucine, which is neutral and non-polar, at codon 1062 of the ABL1 protein (p.Ile1062Leu). This variant is not present in population databases (gnomAD no frequency). This variant has not been reported in the literature in individuals affected with ABL1-related conditions. Invitae Evidence Modeling of protein sequence and biophysical properties (such as structural, functional, and spatial information, amino acid conservation, physicochemical variation, residue mobility, and thermodynamic stability) indicates that this missense variant is not expected to disrupt ABL1 protein function with a negative predictive value of 80%. In summary, the available evidence is currently insufficient to determine the role of this variant in disease. Therefore, it has been classified as a Variant of Uncertain Significance.